The following is an entry in ClinVar:

NM_000814.6(GABRB3):c.80+3_80+14del

Gene: GABRB3 (gamma-aminobutyric acid type A receptor subunit beta3; minus strand). Cytogenetic location: 15q12.
Variant type: Deletion.
Coding change: c.80+3_80+14del on transcript NM_000814.6 (MANE Select); bases 3 to 14 of the intron after coding-DNA position 80, 12 bases deleted (AGGGTCGCGGGT).
Molecular consequence: splice donor variant. On other transcripts: intron variant (1).
Genome position (GRCh38, 1-based): chr15:26,772,869-26,772,880, ACCCGCGACCCT deleted on the plus strand (AGGGTCGCGGGT on the coding strand, the reverse complement: GABRB3 is on the minus strand); deleting any 12 consecutive bases within chr15:26,772,869-26,772,883 gives the same sequence; the c. name uses the placement nearest the transcript's 3' end. VCF-style (leftmost placement, unchanged base first): chr15-26772868-CACCCGCGACCCT-C. GRCh37 (hg19) VCF-style: chr15-27018015-CACCCGCGACCCT-C.
Other names: c.81-108_81-97del (NM_021912.5); c.-272+3_-272+14del (NM_001278631.2).
Identifiers: ClinVar variation 3749346 (VCV003749346.2).
Genomic context (GRCh38, chr15:26,772,868, plus strand): 5'-AGGGGCGGCTCAGCCGCCAGCGCCCCGCGCACCCCGCGCCCTGCCCGCCGCCCGCCGGCC[CACCCGCGACCCT>C]ACCTCTGGGCGCAGCACACCACAGCCACCAGCACCGGGGCCGAGAAGATGCCGAAAAGCC-3'

ClinVar aggregate classification (germline): Uncertain significance (1 of 4 stars; one submission).

Conditions:
Epilepsy, childhood absence, susceptibility to, 1. Also called: Epilepsy, childhood absence 1. Identifiers: Orphanet 64280, MedGen C1838604, MONDO:0020759, OMIM 600131.
Epilepsy, childhood absence, susceptibility to, 5. Identifiers: Orphanet 64280, MedGen C2677087, MONDO:0012843, OMIM 612269.

Submission:

Labcorp Genetics (formerly Invitae), Labcorp
Classification: Uncertain significance for Epilepsy, childhood absence, susceptibility to, 5; Epilepsy, childhood absence, susceptibility to, 1. Last evaluated: 2024-08-05. Review status: criteria provided, single submitter. Criteria: Invitae Variant Classification Sherloc (09022015). Collection method: clinical testing. Allele origin: germline.
Comment: This sequence change falls in intron 1 of the GABRB3 gene. It does not directly change the encoded amino acid sequence of the GABRB3 protein. It affects a nucleotide within the consensus splice site. This variant is not present in population databases (gnomAD no frequency). This variant has not been reported in the literature in individuals affected with GABRB3-related conditions. Variants that disrupt the consensus splice site are a relatively common cause of aberrant splicing (PMID: 17576681, 9536098). Algorithms developed to predict the effect of sequence changes on RNA splicing suggest that this variant may disrupt the consensus splice site. In summary, the available evidence is currently insufficient to determine the role of this variant in disease. Therefore, it has been classified as a Variant of Uncertain Significance.

Literature cited by the submitters: PubMed 17576681; PubMed 9536098.